The following is an entry in ClinVar:

ClinVar aggregate classification (germline): Uncertain significance (1 of 4 stars; one submission).

gnomAD v4.1: 16 of 1,613,116 alleles (0.00099%); highest among the groups gnomAD compares: South Asian, 0.016%; no homozygotes.

Submission:

Ambry Genetics
Classification: Uncertain significance. Last evaluated: 2026-01-14. Review status: criteria provided, single submitter. Criteria: Ambry Variant Classification Scheme 2023. Collection method: clinical testing. Allele origin: germline.
Comment: The c.1171A>T (p.N391Y) alteration is located in exon 7 (coding exon 6) of the APBA3 gene. This alteration results from a A to T substitution at nucleotide position 1171, causing the asparagine (N) at amino acid position 391 to be replaced by a tyrosine (Y). Based on data from gnomAD, the T allele has an overall frequency of 0.002% (4/249250) total alleles studied. The highest observed frequency was 0.013% (4/30594) of South Asian alleles. Based on insufficient or conflicting evidence, the clinical significance of this alteration remains unclear.

NM_004886.4(APBA3):c.1171A>T (p.Asn391Tyr)

Gene: APBA3 (amyloid beta precursor protein binding family A member 3; minus strand). Cytogenetic location: 19p13.3.
Variant type: single nucleotide variant.
Coding change: c.1171A>T on transcript NM_004886.4 (MANE Select); coding-DNA position 1171, A replaced by T.
Protein change: p.Asn391Tyr; replaces asparagine 391 with tyrosine.
Molecular consequence: missense variant.
Genome position (GRCh38, 1-based): chr19:3,752,831, T>A on the plus strand (A>T on the coding strand, the complement: APBA3 is on the minus strand). VCF-style: chr19-3752831-T-A. GRCh37 (hg19) VCF-style: chr19-3752829-T-A.
Other names: short protein forms N391Y.
Identifiers: ClinVar variation 4831912 (VCV004831912.1).